The following is an entry in ClinVar:

NM_000059.4(BRCA2):c.9322G>T (p.Asp3108Tyr)

Gene: BRCA2 (BRCA2 DNA repair associated; plus strand). Cytogenetic location: 13q13.1.
Variant type: single nucleotide variant.
Coding change: c.9322G>T on transcript NM_000059.4 (MANE Select); coding-DNA position 9322, G replaced by T.
Protein change: p.Asp3108Tyr; replaces aspartic acid 3108 with tyrosine.
Molecular consequence: missense variant.
Genome position (GRCh38, 1-based): chr13:32,394,754, G>T. VCF-style: chr13-32394754-G-T. GRCh37 (hg19) VCF-style: chr13-32968891-G-T.
Other names: c.9226G>T, p.Asp3076Tyr (NM_001406719.1); c.9271G>T, p.Asp3091Tyr (NM_001406720.1); c.4390G>T, p.Asp1464Tyr (NM_001406721.1); c.2905G>T, p.Asp969Tyr (NM_001406722.1); short protein forms D3076Y, D1464Y, D969Y, D3091Y, D3108Y.
Identifiers: ClinVar variation 1766574 (VCV001766574.2), dbSNP rs2137652571, ClinGen allele CA387760975.

ClinVar aggregate classification (germline): Uncertain significance (1 of 4 stars; one submission).

Conditions:
Hereditary cancer-predisposing syndrome. Also called: Hereditary Cancer Syndrome; Hereditary neoplastic syndrome; Neoplastic Syndromes, Hereditary; Tumor predisposition. Identifiers: Orphanet 140162, MedGen C0027672, MeSH D009386, MONDO:0015356.

Submission:

Ambry Genetics
Classification: Uncertain significance for Hereditary cancer-predisposing syndrome. Last evaluated: 2021-12-11. Review status: criteria provided, single submitter. Criteria: Ambry Variant Classification Scheme 2023. Collection method: clinical testing. Allele origin: germline.
Comment: The p.D3108Y variant (also known as c.9322G>T), located in coding exon 24 of the BRCA2 gene, results from a G to T substitution at nucleotide position 9322. The aspartic acid at codon 3108 is replaced by tyrosine, an amino acid with highly dissimilar properties. This amino acid position is conserved. In addition, this alteration is predicted to be deleterious by in silico analysis. Since supporting evidence is limited at this time, the clinical significance of this alteration remains unclear.